The following is an entry in ClinVar:

NM_000038.6(APC):c.86A>G (p.Asp29Gly)

Gene: APC (APC regulator of Wnt signaling pathway; plus strand). Cytogenetic location: 5q22.2.
Variant type: single nucleotide variant.
Coding change: c.86A>G on transcript NM_000038.6 (MANE Select); coding-DNA position 86, A replaced by G.
Protein change: p.Asp29Gly; replaces aspartic acid 29 with glycine.
Molecular consequence: missense variant. On other transcripts: 5 prime UTR variant (1), intron variant (8).
Genome position (GRCh38, 1-based): chr5:112,754,976, A>G. VCF-style: chr5-112754976-A-G. GRCh37 (hg19) VCF-style: chr5-112090673-A-G.
Other names: c.86A>G, p.Asp29Gly (NM_001127510.3, NM_001354895.2, NM_001354896.2 and 2 more transcripts); c.-950A>G (NM_001354906.2); c.166-11350A>G (NM_001354897.2, NM_001354902.2, NM_001127511.3); c.61-11350A>G (NM_001354898.2, NM_001354904.2); c.-42-11350A>G (NM_001354900.2, NM_001354901.2, NM_001354905.2); short protein forms D29G.
Identifiers: ClinVar variation 998773 (VCV000998773.48), dbSNP rs1754793886, ClinGen allele CA16021527.

ClinVar aggregate classification (germline): Uncertain significance (1 of 4 stars; one submission).

Conditions:
Familial adenomatous polyposis 1 (FAP1). Also called: FAMILIAL ADENOMATOUS POLYPOSIS 1, ATTENUATED; POLYPOSIS, ADENOMATOUS INTESTINAL. Identifiers: MedGen C2713442, MONDO:0021056, OMIM 175100. Disease mechanism: loss of function.

Submission:

Labcorp Genetics (formerly Invitae), Labcorp
Classification: Uncertain significance for Familial adenomatous polyposis 1. Last evaluated: 2022-06-19. Review status: criteria provided, single submitter. Criteria: Invitae Variant Classification Sherloc (09022015). Collection method: clinical testing. Allele origin: germline.
Comment: Algorithms developed to predict the effect of sequence changes on RNA splicing suggest that this variant may disrupt the consensus splice site. In summary, the available evidence is currently insufficient to determine the role of this variant in disease. Therefore, it has been classified as a Variant of Uncertain Significance. Algorithms developed to predict the effect of missense changes on protein structure and function are either unavailable or do not agree on the potential impact of this missense change (SIFT: "Tolerated"; PolyPhen-2: "Probably Damaging"; Align-GVGD: "Class C0"). ClinVar contains an entry for this variant (Variation ID: 998773). This variant has not been reported in the literature in individuals affected with APC-related conditions. This variant is not present in population databases (gnomAD no frequency). This sequence change replaces aspartic acid, which is acidic and polar, with glycine, which is neutral and non-polar, at codon 29 of the APC protein (p.Asp29Gly).